The following is an entry in ClinVar:

NM_001112741.2(KCNC1):c.1648T>C (p.Ser550Pro)

Gene: KCNC1 (potassium voltage-gated channel subfamily C member 1; plus strand). Cytogenetic location: 11p15.1.
Variant type: single nucleotide variant.
Coding change: c.1648T>C on transcript NM_001112741.2 (MANE Select); coding-DNA position 1648, T replaced by C.
Protein change: p.Ser550Pro; replaces serine 550 with proline.
Molecular consequence: missense variant.
Genome position (GRCh38, 1-based): chr11:17,779,599, T>C. VCF-style: chr11-17779599-T-C. GRCh37 (hg19) VCF-style: chr11-17801146-T-C.
Other names: short protein forms S550P.
Identifiers: ClinVar variation 1442614 (VCV001442614.8), dbSNP rs2133810488, ClinGen allele CA379814521.
Genomic context (GRCh38, chr11:17,779,599, plus strand): 5'-GAGGGCCTGCCCTTTACGCGCTCGGGCACCCGCGAGAGATACGGACCCTGCTTCCTCTTA[T>C]CAACCGGGGAGTACGCGTGCCCACCTGGTGGAGGAATGAGAAAGGGTATGTAGAGGAAGC-3'
Protein context (NP_001106212.1, residues 540-560): RERYGPCFLL[Ser550Pro]TGEYACPPGG

ClinVar aggregate classification (germline): Uncertain significance (1 of 4 stars; one submission).

Conditions:
Progressive myoclonic epilepsy type 7. Identifiers: Orphanet 435438, MedGen C4015420, MONDO:0014521, OMIM 616187.

Submission:

Labcorp Genetics (formerly Invitae), Labcorp
Classification: Uncertain significance for Progressive myoclonic epilepsy type 7. Last evaluated: 2024-04-05. Review status: criteria provided, single submitter. Criteria: Invitae Variant Classification Sherloc (09022015). Collection method: clinical testing. Allele origin: germline.
Comment: This sequence change replaces serine, which is neutral and polar, with proline, which is neutral and non-polar, at codon 550 of the KCNC1 protein (p.Ser550Pro). This variant is not present in population databases (gnomAD no frequency). This variant has not been reported in the literature in individuals affected with KCNC1-related conditions. ClinVar contains an entry for this variant (Variation ID: 1442614). An algorithm developed to predict the effect of missense changes on protein structure and function (PolyPhen-2) suggests that this variant is likely to be disruptive. In summary, the available evidence is currently insufficient to determine the role of this variant in disease. Therefore, it has been classified as a Variant of Uncertain Significance.